The following is an entry in ClinVar:

NM_004415.4(DSP):c.8156C>G (p.Pro2719Arg)

Gene: DSP (desmoplakin; plus strand). Cytogenetic location: 6p24.3.
Variant type: single nucleotide variant.
Coding change: c.8156C>G on transcript NM_004415.4 (MANE Select); coding-DNA position 8156, C replaced by G.
Protein change: p.Pro2719Arg; replaces proline 2719 with arginine.
Molecular consequence: missense variant.
Genome position (GRCh38, 1-based): chr6:7,585,418, C>G. VCF-style: chr6-7585418-C-G. GRCh37 (hg19) VCF-style: chr6-7585651-C-G.
Other names: c.6359C>G, p.Pro2120Arg (NM_001008844.3); c.6827C>G, p.Pro2276Arg (NM_001319034.2); short protein forms P2120R, P2276R, P2719R.
Identifiers: ClinVar variation 4786771 (VCV004786771.1).

ClinVar aggregate classification (germline): Uncertain significance (1 of 4 stars; one submission).

Conditions:
Arrhythmogenic cardiomyopathy with wooly hair and keratoderma. Also called: Carvajal syndrome; PALMOPLANTAR KERATODERMA WITH LEFT VENTRICULAR CARDIOMYOPATHY AND WOOLLY HAIR; Dilated cardiomyopathy with woolly hair and keratoderma; Arrhythmogenic cardiomyopathy with woolly hair and keratoderma. Identifiers: Orphanet 65282, MedGen C1854063, MONDO:0011581, OMIM 605676.
Arrhythmogenic right ventricular dysplasia 8 (ARVD8). Also called: Arrhythmogenic Right Ventricular Dysplasia/Cardiomyopathy 8; ARRHYTHMOGENIC RIGHT VENTRICULAR DYSPLASIA, FAMILIAL, 8; ARRHYTHMOGENIC RIGHT VENTRICULAR CARDIOMYOPATHY 8. Identifiers: MedGen C1843896, MONDO:0011831, OMIM 607450.

Submission:

Labcorp Genetics (formerly Invitae), Labcorp
Classification: Uncertain significance for Arrhythmogenic cardiomyopathy with wooly hair and keratoderma; Arrhythmogenic right ventricular dysplasia 8. Last evaluated: 2025-11-22. Review status: criteria provided, single submitter. Criteria: Invitae Variant Classification Sherloc (09022015). Collection method: clinical testing. Allele origin: germline.
Comment: This sequence change replaces proline, which is neutral and non-polar, with arginine, which is basic and polar, at codon 2719 of the DSP protein (p.Pro2719Arg). This variant is not present in population databases (gnomAD no frequency). This variant has not been reported in the literature in individuals affected with DSP-related conditions. An algorithm developed to predict the effect of missense changes on protein structure and function (PolyPhen-2) suggests that this variant is likely to be disruptive. In summary, the available evidence is currently insufficient to determine the role of this variant in disease. Therefore, it has been classified as a Variant of Uncertain Significance.